The following is an entry in ClinVar:

NM_000287.4(PEX6):c.2754_2758del (p.Cys918_Asp920delinsTer)

Gene: PEX6 (peroxisomal biogenesis factor 6; minus strand). Cytogenetic location: 6p21.1.
Variant type: Microsatellite.
Coding change: c.2754_2758del on transcript NM_000287.4 (MANE Select); coding-DNA positions 2754 to 2758, 5 bases deleted (CTCTG; older notation c.2754_2758delCTCTG).
Protein change: p.Cys918_Asp920delinsTer.
Molecular consequence: nonsense. On other transcripts: non-coding transcript variant (1).
Genome position (GRCh38, 1-based): chr6:42,964,838-42,964,842, CAGAG deleted on the plus strand (CTCTG on the coding strand, the reverse complement: PEX6 is on the minus strand); deleting any 5 consecutive bases within chr6:42,964,838-42,964,847 gives the same sequence; the c. name uses the placement nearest the transcript's 3' end. VCF-style (leftmost placement, unchanged base first): chr6-42964837-TCAGAG-T. GRCh37 (hg19) VCF-style: chr6-42932575-TCAGAG-T.
Other names: c.2490_2494del, p.Cys830_Asp832delinsTer (NM_001316313.2).
Identifiers: ClinVar variation 1357208 (VCV001357208.6), dbSNP rs2114236281, ClinGen allele CA2580614882.
Genomic context (GRCh38, chr6:42,964,837, plus strand): 5'-GCAAGTGGCTCACCTTCCTCCAGGTCATGAACCCTGCGTTTGAGGGCAGCTGTCATAGCA[TCAGAG>T]CAGAGAGAGTAGAGGTCCGCGCCCGTCAGCTGGGGAGGGCAGCAATCTAGCACGTTTACC-3'

ClinVar aggregate classification (germline): Pathogenic (1 of 4 stars; one submission).

Conditions:
Peroxisome biogenesis disorder. Identifiers: Orphanet 79189, MedGen C1832200, MONDO:0019234. Disease mechanism: loss of function.

Submission:

Labcorp Genetics (formerly Invitae), Labcorp
Classification: Pathogenic for Peroxisome biogenesis disorder. Last evaluated: 2021-06-29. Review status: criteria provided, single submitter. Criteria: Invitae Variant Classification Sherloc (09022015). Collection method: clinical testing. Allele origin: germline.
Comment: This sequence change creates a premature translational stop signal (p.Cys918*) in the PEX6 gene. It is expected to result in an absent or disrupted protein product. Loss-of-function variants in PEX6 are known to be pathogenic (PMID: 8670792, 19877282, 21031596). For these reasons, this variant has been classified as Pathogenic. This variant has not been reported in the literature in individuals affected with PEX6-related conditions. This variant is not present in population databases (ExAC no frequency).

Literature cited by the submitters: PubMed 8670792; PubMed 19877282; PubMed 21031596.